The following is an entry in ClinVar:

ClinVar aggregate classification (germline): Uncertain significance (1 of 4 stars; one submission).

Conditions:
Long QT syndrome (LQTS). Identifiers: MedGen C0023976, MeSH D008133, MONDO:0002442. Disease mechanism: loss of function. Inheritance: Various modes of inheritance.

Submission:

Labcorp Genetics (formerly Invitae), Labcorp
Classification: Uncertain significance for Long QT syndrome. Last evaluated: 2020-09-04. Review status: criteria provided, single submitter. Criteria: Invitae Variant Classification Sherloc (09022015). Collection method: clinical testing. Allele origin: germline.
Comment: This sequence change replaces cysteine with glycine at codon 998 of the ANK2 protein (p.Cys998Gly). The cysteine residue is highly conserved and there is a large physicochemical difference between cysteine and glycine. This variant is not present in population databases (ExAC no frequency). This variant has not been reported in the literature in individuals with ANK2-related conditions. Algorithms developed to predict the effect of missense changes on protein structure and function are either unavailable or do not agree on the potential impact of this missense change (SIFT: "Deleterious"; PolyPhen-2: "Probably Damaging"; Align-GVGD: "Class C0"). Algorithms developed to predict the effect of sequence changes on RNA splicing suggest that this variant may create or strengthen a splice site, but this prediction has not been confirmed by published transcriptional studies. In summary, the available evidence is currently insufficient to determine the role of this variant in disease. Therefore, it has been classified as a Variant of Uncertain Significance.

NM_001148.6(ANK2):c.2992T>G (p.Cys998Gly)

Gene: ANK2 (ankyrin 2; plus strand). Cytogenetic location: 4q26.
Variant type: single nucleotide variant.
Coding change: c.2992T>G on transcript NM_001148.6 (MANE Select); coding-DNA position 2992, T replaced by G.
Protein change: p.Cys998Gly; replaces cysteine 998 with glycine.
Molecular consequence: missense variant.
Genome position (GRCh38, 1-based): chr4:113,330,337, T>G. VCF-style: chr4-113330337-T-G. GRCh37 (hg19) VCF-style: chr4-114251493-T-G.
Other names: c.2965T>G, p.Cys989Gly (NM_001127493.3); c.3004T>G, p.Cys1002Gly (NM_001354225.2); c.2992T>G, p.Cys998Gly (NM_001354228.2, NM_001354258.2, NM_020977.5); c.3070T>G, p.Cys1024Gly (NM_001354230.2, NM_001354237.2); c.3034T>G, p.Cys1012Gly (NM_001354231.2, NM_001354242.2); c.3028T>G, p.Cys1010Gly (NM_001354232.2); c.2989T>G, p.Cys997Gly (NM_001354235.2, NM_001354236.2, NM_001354246.2 and 1 more transcripts); c.2962T>G, p.Cys988Gly (NM_001354239.2, NM_001354252.2, NM_001354272.2); and 23 more; short protein forms C927G, C976G, C986G, C1013G, C1017G, C1037G, C1045G, C207G.
Identifiers: ClinVar variation 1036870 (VCV001036870.5), dbSNP rs2092053203, ClinGen allele CA357935085.
Genomic context (GRCh38, chr4:113,330,337, plus strand): 5'-GGTGGTGCTATGCGAGGATGCAGACACAATGGGCTCCGAATCATTATTCCACCTCGGAAA[T>G]GTACTGCTCCAACGCGAGTCACCTGCCGACTGGTCAAGCGCCACAGACTGGCAACAATGC-3'
Protein context (NP_001139.3, residues 988-1008): GLRIIIPPRK[Cys998Gly]TAPTRVTCRL